The following is an entry in ClinVar:

NM_012144.4(DNAI1):c.700T>C (p.Tyr234His)

Gene: DNAI1 (dynein axonemal intermediate chain 1; plus strand). Cytogenetic location: 9p13.3.
Variant type: single nucleotide variant.
Coding change: c.700T>C on transcript NM_012144.4 (MANE Select); coding-DNA position 700, T replaced by C.
Protein change: p.Tyr234His; replaces tyrosine 234 with histidine.
Molecular consequence: missense variant.
Genome position (GRCh38, 1-based): chr9:34,493,212, T>C. VCF-style: chr9-34493212-T-C. GRCh37 (hg19) VCF-style: chr9-34493210-T-C.
Other names: c.712T>C, p.Tyr238His (NM_001281428.2); short protein forms Y238H, Y234H.
Identifiers: ClinVar variation 5003434 (VCV005003434.1).

ClinVar aggregate classification (germline): Uncertain significance (1 of 4 stars; one submission).

Conditions:
Kartagener syndrome (CILD1). Also called: POLYNESIAN BRONCHIECTASIS; CILIARY DYSKINESIA, PRIMARY, 1; CILIARY DYSKINESIA, PRIMARY, 1, WITH OR WITHOUT SITUS INVERSUS; IMMOTILE CILIA SYNDROME; Dextrocardia bronchiectasis and sinusitis; SIEWERT SYNDROME. Identifiers: Orphanet 244, MedGen C4551906, MONDO:0009484, OMIM 244400.

Submission:

Myriad Genetics, Inc.
Classification: Uncertain significance for Kartagener syndrome. Last evaluated: 2025-08-06. Review status: criteria provided, single submitter. Criteria: Myriad Autosomal Dominant, Autosomal Recessive and X-Linked Classification Criteria (2023). Collection method: clinical testing. Allele origin: unknown.
Comment: NM_012144.2(DNAI1):c.700T>C(Y234H) is a missense variant classified as a variant of uncertain significance in the context of primary ciliary dyskinesia, DNAI1-related. Y234H has not been observed in cases with relevant disease. Relevant functional assessments of this variant are not available in the literature. Y234H has not been observed in referenced population frequency databases. In summary, there is insufficient evidence to classify NM_012144.2(DNAI1):c.700T>C(Y234H) as pathogenic or benign. Please note: this variant was assessed in the context of healthy population screening.